The following is an entry in ClinVar:

NM_000152.5(GAA):c.874T>G (p.Tyr292Asp)

Gene: GAA (alpha glucosidase; plus strand). Cytogenetic location: 17q25.3.
Variant type: single nucleotide variant.
Coding change: c.874T>G on transcript NM_000152.5 (MANE Select); coding-DNA position 874, T replaced by G.
Protein change: p.Tyr292Asp; replaces tyrosine 292 with aspartic acid.
Molecular consequence: missense variant.
Genome position (GRCh38, 1-based): chr17:80,107,815, T>G. VCF-style: chr17-80107815-T-G. GRCh37 (hg19) VCF-style: chr17-78081614-T-G.
Other names: c.874T>G, p.Tyr292Asp (NM_001079803.3, NM_001079804.3, NM_001406741.1 and 1 more transcripts); short protein forms Y292D.
Identifiers: ClinVar variation 3907224 (VCV003907224.1).

ClinVar aggregate classification (germline): Uncertain significance (1 of 4 stars; one submission).

Submission:

Women's Health and Genetics/Laboratory Corporation of America, LabCorp
Classification: Uncertain significance. Last evaluated: 2025-06-10. Review status: criteria provided, single submitter. Criteria: LabCorp Variant Classification Summary - May 2015. Collection method: clinical testing. Allele origin: germline.
Comment: Variant summary: GAA c.874T>G (p.Tyr292Asp) results in a non-conservative amino acid change in the encoded protein sequence. Algorithms developed to predict the effect of missense changes on protein structure and function all suggest that this variant is likely to be disruptive. The variant was absent in 245506 control chromosomes. The available data on variant occurrences in the general population are insufficient to allow any conclusion about variant significance. To our knowledge, no occurrence of c.874T>G in individuals affected with Glycogen Storage Disease, Type 2 (Pompe Disease) and no experimental evidence demonstrating its impact on protein function have been reported. A different variant affecting the same codon has been classified as likely pathogenic/pathogenic by our lab (c.875A>G, p.Tyr292Cys), supporting the critical relevance of codon 292 to GAA protein function. No submitters have cited clinical-significance assessments for this variant to ClinVar. Based on the evidence outlined above, the variant was classified as uncertain significance.